The following is an entry in ClinVar:

ClinVar aggregate classification (germline): Uncertain significance (1 of 4 stars; one submission).

gnomAD v4.1: 1 of 1,614,060 alleles (0.000062%); highest among the groups gnomAD compares: Non-Finnish European, 0.000085%; no homozygotes.

Submission:

Labcorp Genetics (formerly Invitae), Labcorp
Classification: Uncertain significance. Last evaluated: 2024-08-14. Review status: criteria provided, single submitter. Criteria: Invitae Variant Classification Sherloc (09022015). Collection method: clinical testing. Allele origin: germline.
Comment: This sequence change creates a premature translational stop signal (p.Arg153*) in the ALPK1 gene. It is expected to result in an absent or disrupted protein product. However, the current clinical and genetic evidence is not sufficient to establish whether loss-of-function variants in ALPK1 cause disease. This variant is not present in population databases (gnomAD no frequency). This variant has not been reported in the literature in individuals affected with ALPK1-related conditions. In summary, the available evidence is currently insufficient to determine the role of this variant in disease. Therefore, it has been classified as a Variant of Uncertain Significance.

NM_025144.4(ALPK1):c.457C>T (p.Arg153Ter)

Gene: ALPK1 (alpha kinase 1; plus strand). Cytogenetic location: 4q25.
Variant type: single nucleotide variant.
Coding change: c.457C>T on transcript NM_025144.4 (MANE Select); coding-DNA position 457, C replaced by T.
Protein change: p.Arg153Ter; replaces arginine 153 with a stop codon.
Molecular consequence: nonsense.
Genome position (GRCh38, 1-based): chr4:112,412,007, C>T. VCF-style: chr4-112412007-C-T. GRCh37 (hg19) VCF-style: chr4-113333163-C-T.
Other names: c.457C>T, p.Arg153Ter (NM_001102406.2); c.223C>T, p.Arg75Ter (NM_001253884.2); short protein forms R153*, R75*.
Identifiers: ClinVar variation 3618674 (VCV003618674.2).